The following is an entry in ClinVar:

ClinVar aggregate classification (germline): Likely pathogenic (1 of 4 stars; one submission).

Conditions:
Autosomal recessive limb-girdle muscular dystrophy type 2J (LGMDR10). Also called: Limb-girdle muscular dystrophy, type 2J; MUSCULAR DYSTROPHY, LIMB-GIRDLE, AUTOSOMAL RECESSIVE 10. Identifiers: Orphanet 140922, MedGen C1837342, MONDO:0012127, OMIM 608807.
Dilated cardiomyopathy 1G (CMD1G). Identifiers: Orphanet 154, MedGen C1858763, MONDO:0011400, OMIM 604145.

Submission:

Labcorp Genetics (formerly Invitae), Labcorp
Classification: Likely pathogenic for Dilated cardiomyopathy 1G; Autosomal recessive limb-girdle muscular dystrophy type 2J. Last evaluated: 2022-03-18. Review status: criteria provided, single submitter. Criteria: Invitae Variant Classification Sherloc (09022015). Collection method: clinical testing. Allele origin: germline.
Comment: This variant is located in the A band of TTN (PMID: 25589632). Truncating variants in this region are significantly overrepresented in patients affected with dilated cardiomyopathy (PMID: 25589632). Truncating variants in this region have also been reported in individuals affected with autosomal recessive centronuclear myopathy (PMID: 23975875). Algorithms developed to predict the effect of sequence changes on RNA splicing suggest that this variant may create or strengthen a splice site. This variant has not been reported in the literature in individuals affected with TTN-related conditions. This variant is not present in population databases (gnomAD no frequency). In summary, the currently available evidence indicates that the variant is pathogenic, but additional data are needed to prove that conclusively. Therefore, this variant has been classified as Likely Pathogenic. This sequence change creates a premature translational stop signal (p.Tyr31051*) in the TTN gene. While this is not anticipated to result in nonsense mediated decay, it is expected to create a truncated TTN protein.

Literature cited by the submitters: PubMed 25589632; PubMed 23975875.

NM_001267550.2(TTN):c.93153T>G (p.Tyr31051Ter)

Genes: TTN (titin; minus strand), TTN-AS1 (TTN antisense RNA 1; plus strand). Cytogenetic location: 2q31.2.
Variant type: single nucleotide variant.
Coding change: c.93153T>G on transcript NM_001267550.2 (MANE Select); coding-DNA position 93153, T replaced by G.
Protein change: p.Tyr31051Ter; replaces tyrosine 31051 with a stop codon.
Molecular consequence: nonsense.
Genome position (GRCh38, 1-based): chr2:178,548,473, A>C on the plus strand (T>G on the coding strand, the complement: TTN is on the minus strand). VCF-style: chr2-178548473-A-C. GRCh37 (hg19) VCF-style: chr2-179413200-A-C.
Other names: c.88230T>G, p.Tyr29410Ter (NM_001256850.1); c.65958T>G, p.Tyr21986Ter (NM_003319.4); c.85449T>G, p.Tyr28483Ter (NM_133378.4); c.66333T>G, p.Tyr22111Ter (NM_133432.3); c.66534T>G, p.Tyr22178Ter (NM_133437.4); short protein forms Y22178*, Y21986*, Y29410*, Y31051*, Y22111*, Y28483*.
Identifiers: ClinVar variation 2097597 (VCV002097597.4), dbSNP rs2469129125, ClinGen allele CA349487471.